The following is an entry in ClinVar:

ClinVar aggregate classification (germline): Uncertain significance (1 of 4 stars; one submission).

Submission:

GeneDx
Classification: Uncertain significance. Last evaluated: 2026-02-04. Review status: criteria provided, single submitter. Criteria: GeneDx Variant Classification Process June 2021. Collection method: clinical testing. Allele origin: germline.
Comment: Not observed at significant frequency in large population cohorts (gnomAD); Nonsense variant predicted to result in protein truncation as the last 31 amino acid(s) are lost; Has not been previously published as pathogenic or benign to our knowledge

NM_005422.4(TECTA):c.6372dup (p.Asn2125Ter)

Genes: TBCEL-TECTA (TBCEL-TECTA readthrough; plus strand), TECTA (tectorin alpha; plus strand). Cytogenetic location: 11q23.3.
Variant type: Duplication.
Coding change: c.6372dup on transcript NM_005422.4 (MANE Select); coding-DNA position 6372, one base duplicated (T; older notation c.6372dupT).
Protein change: p.Asn2125Ter; replaces asparagine 2125 with a stop codon.
Molecular consequence: nonsense.
Genome position (GRCh38, 1-based): chr11:121,190,710, T duplicated. VCF-style (leftmost placement, unchanged base first): chr11-121190709-C-CT. GRCh37 (hg19) VCF-style: chr11-121061418-C-CT.
Other names: c.7314dup, p.Asn2439Ter (NM_001378761.1); short protein forms N2125*, N2439*.
Identifiers: ClinVar variation 4975940 (VCV004975940.1).
Genomic context (GRCh38, chr11:121,190,709, plus strand): 5'-CTATCAAACAGGTATTTTTCCCCCCATAGGGCTTACTGTGTTCCTCTCTGTTTACAGCCT[C>CT]TAATTCTTCAATGGAACTTCAAGTCTGGACGCTTCTTCTCATCATGATCCAGATTTCATT-3'